The following is an entry in ClinVar:

ClinVar aggregate classification (germline): Benign/Likely benign. Review status: criteria provided, multiple submitters, no conflicts (2 of 4 stars). 3 submissions from 3 submitters: Benign (2); Likely benign (1). Last evaluated 2026-09-01.

Conditions:
Epilepsy, childhood absence, susceptibility to, 5. Identifiers: Orphanet 64280, MedGen C2677087, MONDO:0012843, OMIM 612269.
Epilepsy, childhood absence, susceptibility to, 1. Also called: Epilepsy, childhood absence 1. Identifiers: Orphanet 64280, MedGen C1838604, MONDO:0020759, OMIM 600131.

Allele frequency attached by ClinVar (database versions not stated): 1000 Genomes Project 30x 0.00062; TOPMed 0.00100; ExAC 0.00150; gnomAD exomes 0.00261; ESP Exome Variant Server 0.00008; gnomAD 0.00027 and 0.00032.
gnomAD v4.1: 387 of 1,464,256 alleles (0.026%); highest among the groups gnomAD compares: Admixed American, 0.89%; 6 homozygotes.

Submissions (3):

CeGaT Center for Human Genetics Tuebingen
Classification: Likely benign. Last evaluated: 2026-09-01. Review status: criteria provided, single submitter. Criteria: CeGaT Center For Human Genetics Tuebingen Variant Classification Criteria Version 2. Collection method: clinical testing. Allele origin: germline. Affected: yes. Observed: 5 variant alleles.
Comment: GABRB3: BS1

Labcorp Genetics (formerly Invitae), Labcorp
Classification: Benign for Epilepsy, childhood absence, susceptibility to, 5; Epilepsy, childhood absence, susceptibility to, 1. Last evaluated: 2026-02-03. Review status: criteria provided, single submitter. Criteria: Invitae Variant Classification Sherloc (09022015). Collection method: clinical testing. Allele origin: germline.

GeneDx
Classification: Benign. Last evaluated: 2018-05-15. Review status: criteria provided, single submitter. Criteria: GeneDx Variant Classification Process June 2021. Collection method: clinical testing. Allele origin: germline. Affected: yes.

NM_000814.6(GABRB3):c.80+11G>A

Gene: GABRB3 (gamma-aminobutyric acid type A receptor subunit beta3; minus strand). Cytogenetic location: 15q12.
Variant type: single nucleotide variant.
Coding change: c.80+11G>A on transcript NM_000814.6 (MANE Select); 11 bases into the intron after coding-DNA position 80, G replaced by A.
Molecular consequence: intron variant.
Genome position (GRCh38, 1-based): chr15:26,772,872, C>T on the plus strand (G>A on the coding strand, the complement: GABRB3 is on the minus strand). VCF-style: chr15-26772872-C-T. GRCh37 (hg19) VCF-style: chr15-27018019-C-T.
Other names: c.81-100G>A (NM_021912.5); c.-272+11G>A (NM_001278631.2).
Identifiers: ClinVar variation 383602 (VCV000383602.15), dbSNP rs368259836, ClinGen allele CA7437584.
Genomic context (GRCh38, chr15:26,772,872, plus strand): 5'-GCGGCTCAGCCGCCAGCGCCCCGCGCACCCCGCGCCCTGCCCGCCGCCCGCCGGCCCACC[C>T]GCGACCCTACCTCTGGGCGCAGCACACCACAGCCACCAGCACCGGGGCCGAGAAGATGCC-3'